The following is an entry in ClinVar:

ClinVar aggregate classification (germline): Uncertain significance (1 of 4 stars; one submission).

Submission:

GeneDx
Classification: Uncertain significance. Last evaluated: 2025-04-14. Review status: criteria provided, single submitter. Criteria: GeneDx Variant Classification Process June 2021. Collection method: clinical testing. Allele origin: germline.
Comment: Not observed at significant frequency in large population cohorts (gnomAD); In silico analysis supports that this missense variant has a deleterious effect on protein structure/function; Has not been previously published as pathogenic or benign to our knowledge; This variant is associated with the following publications: (PMID: 25512093, 25609763, 26100331)

NM_001376.5(DYNC1H1):c.3625C>T (p.Leu1209Phe)

Gene: DYNC1H1 (dynein cytoplasmic 1 heavy chain 1; plus strand). Cytogenetic location: 14q32.31.
Variant type: single nucleotide variant.
Coding change: c.3625C>T on transcript NM_001376.5 (MANE Select); coding-DNA position 3625, C replaced by T.
Protein change: p.Leu1209Phe; replaces leucine 1209 with phenylalanine.
Molecular consequence: missense variant.
Genome position (GRCh38, 1-based): chr14:101,997,095, C>T. VCF-style: chr14-101997095-C-T. GRCh37 (hg19) VCF-style: chr14-102463432-C-T.
Other names: short protein forms L1209F.
Identifiers: ClinVar variation 2499402 (VCV002499402.2), dbSNP rs2503720192, ClinGen allele CA391035837.